The following is an entry in ClinVar:

ClinVar aggregate classification (germline): Uncertain significance (1 of 4 stars; one submission).

Conditions:
Hereditary sensory and autonomic neuropathy type 6. Also called: Neuropathy, hereditary sensory and autonomic, type VI; HSAN VI. Identifiers: Orphanet 314381, MedGen C3539003, MONDO:0013839, OMIM 614653.
Epidermolysis bullosa simplex 3, localized or generalized intermediate, with BP230 deficiency (EBS3). Also called: Epidermolysis bullosa simplex due to BP230 deficiency; Epidermolysis bullosa simplex, autosomal recessive 2. Identifiers: Orphanet 412181, MedGen C3809470, MONDO:0014180, OMIM 615425.

Allele frequency attached by ClinVar (database versions not stated): gnomAD 0.00001; TOPMed 0.00002.
gnomAD v4.1: 9 of 1,614,066 alleles (0.00056%); highest among the groups gnomAD compares: East Asian, 0.0022%; no homozygotes.

Submission:

Labcorp Genetics (formerly Invitae), Labcorp
Classification: Uncertain significance for Epidermolysis bullosa simplex 3, localized or generalized intermediate, with BP230 deficiency; Hereditary sensory and autonomic neuropathy type 6. Last evaluated: 2022-07-26. Review status: criteria provided, single submitter. Criteria: Invitae Variant Classification Sherloc (09022015). Collection method: clinical testing. Allele origin: germline.
Comment: This sequence change replaces aspartic acid, which is acidic and polar, with tyrosine, which is neutral and polar, at codon 2443 of the DST protein (p.Asp2443Tyr). This variant is present in population databases (rs201655606, gnomAD 0.007%). This variant has not been reported in the literature in individuals affected with DST-related conditions. Algorithms developed to predict the effect of missense changes on protein structure and function are either unavailable or do not agree on the potential impact of this missense change (SIFT: "Tolerated"; PolyPhen-2: "Possibly Damaging"; Align-GVGD: "Class C15"). In summary, the available evidence is currently insufficient to determine the role of this variant in disease. Therefore, it has been classified as a Variant of Uncertain Significance.

NM_001723.7(DST):c.7327G>T (p.Asp2443Tyr)

Gene: DST (dystonin; minus strand). Cytogenetic location: 6p12.1.
Variant type: single nucleotide variant.
Coding change: c.7327G>T on transcript NM_001723.7 (MANE Plus Clinical); coding-DNA position 7327, G replaced by T.
Protein change: p.Asp2443Tyr; replaces aspartic acid 2443 with tyrosine.
Molecular consequence: missense variant. On other transcripts: intron variant (10).
Genome position (GRCh38, 1-based): chr6:56,616,140, C>A on the plus strand (G>T on the coding strand, the complement: DST is on the minus strand). VCF-style: chr6-56616140-C-A. GRCh37 (hg19) VCF-style: chr6-56480938-C-A.
Other names: c.4831-1656G>T (NM_001144769.5); c.4930-1656G>T (NM_001374722.1, NM_001374736.1); c.4957-1656G>T (NM_001374734.1); c.4417-1656G>T (NM_001144770.2); c.4297-1656G>T (NM_001374730.1, NM_001386100.1, NM_183380.4 and 1 more transcripts); c.3319-1656G>T (NM_015548.5); short protein forms D2443Y.
Identifiers: ClinVar variation 2148434 (VCV002148434.4), dbSNP rs201655606, ClinGen allele CA139205338.